The following is an entry in ClinVar:

ClinVar aggregate classification (germline): Pathogenic. Review status: criteria provided, multiple submitters, no conflicts (2 of 4 stars). 3 submissions from 3 submitters: Pathogenic (2). 1 of the submissions does not count toward it. Last evaluated 2021-11-26.

Conditions:
Autosomal recessive nonsyndromic hearing loss 2. Also called: DEAFNESS, AUTOSOMAL RECESSIVE 2; NEUROSENSORY NONSYNDROMIC RECESSIVE DEAFNESS 2. Identifiers: Orphanet 90636, MedGen C1838701, MONDO:0010807, OMIM 600060.

Submissions (3):

Labcorp Genetics (formerly Invitae), Labcorp
Classification: Pathogenic. Last evaluated: 2021-11-26. Review status: criteria provided, single submitter. Criteria: Invitae Variant Classification Sherloc (09022015). Collection method: clinical testing. Allele origin: germline.
Comment: This sequence change affects an acceptor splice site in intron 31 of the MYO7A gene. It is expected to disrupt RNA splicing. Variants that disrupt the donor or acceptor splice site typically lead to a loss of protein function (PMID: 16199547), and loss-of-function variants in MYO7A are known to be pathogenic (PMID: 8900236, 25404053). This variant is not present in population databases (gnomAD no frequency). Disruption of this splice site has been observed in individuals with autosomal recessive congenital non-syndromic deafness (PMID: 24105371). ClinVar contains an entry for this variant (Variation ID: 402268). Algorithms developed to predict the effect of sequence changes on RNA splicing suggest that this variant may disrupt the consensus splice site. For these reasons, this variant has been classified as Pathogenic.

King Laboratory, University of Washington
Classification: Pathogenic for Autosomal recessive nonsyndromic hearing loss 2. Last evaluated: 2020-08-01. Review status: criteria provided, single submitter. Criteria: Abu Rayyan A et al. (Proc Natl Acad Sci U S A 2020). Collection method: research. Allele origin: germline. Affected: yes.
Comment: Analysis of patient-derived RNA indicates that MYO7A c.4153-2A>G disrupts the splice acceptor of MYO7A exon 32, leading to loss of 87bp in message and loss of aa 1385-1441 from the FERM1 domain (Abu Rayyan 2020). The variant is homozygous in 6 children with severe to profound hearing loss from 3 Palestinian families. The variant was absent from 1300 Palestinian controls and absent from gnomAD v2.1.1.

Hereditary Research Laboratory, Bethlehem University
Classification: Pathogenic for Autosomal recessive nonsyndromic hearing loss 2. Last evaluated: 2016-06-04. Review status: no assertion criteria provided. Collection method: research. Allele origin: germline. Affected: yes. Not counted in ClinVar's aggregate classification.

Literature cited by the submitters: PubMed 16199547 (cited by Labcorp Genetics (formerly Invitae), Labcorp); PubMed 8900236 (cited by Labcorp Genetics (formerly Invitae), Labcorp); PubMed 25404053 (cited by Labcorp Genetics (formerly Invitae), Labcorp); PubMed 24105371 (cited by Labcorp Genetics (formerly Invitae), Labcorp).

NM_000260.4(MYO7A):c.4153-2A>G

Gene: MYO7A (myosin VIIA; plus strand). Cytogenetic location: 11q13.5.
Variant type: single nucleotide variant.
Coding change: c.4153-2A>G on transcript NM_000260.4 (MANE Select); the canonical splice acceptor site of the intron before coding-DNA position 4153, A replaced by G.
Molecular consequence: splice acceptor variant.
Genome position (GRCh38, 1-based): chr11:77,194,352, A>G. VCF-style: chr11-77194352-A-G. GRCh37 (hg19) VCF-style: chr11-76905397-A-G.
Other names: NM_000260.3:c.4153-2A>G; c.4120-2A>G (NM_001369365.1); c.4153-2A>G (NM_001127180.2).
Identifiers: ClinVar variation 402268 (VCV000402268.9), dbSNP rs1060499803, ClinGen allele CA16609576.